The following is an entry in ClinVar:

NM_000397.4(CYBB):c.484-60TG[22]

Gene: CYBB (cytochrome b-245 beta chain; plus strand). Cytogenetic location: Xp21.1.
Variant type: Microsatellite.
Coding change: c.484-60TG[22] on transcript NM_000397.4 (MANE Select); 22 copies in a row of the 2-base unit TG starting at c.484-60.
Molecular consequence: intron variant.
Genome position: GRCh38 VCF-style: chrX-37795890-ATG-A. GRCh37 (hg19) VCF-style: chrX-37655143-ATG-A.
Other names: c.484-15_484-14delGT (NM_000397.4).
Identifiers: ClinVar variation 4536713 (VCV004536713.1).
Genomic context (GRCh38, chrX:37,795,890, plus strand): 5'-TACATTGGACACTTTATAATAGTCCTGCATTTGAGAACCTATAATATTGTGCTTGCGCAC[ATG>A]TGTGTGTGTGTGTGTGTGTGTGTGTGTGTGTGTGTGTGTGTGTGTTTATATTTTACAGAA-3'

ClinVar aggregate classification (germline): Likely benign (1 of 4 stars; one submission).

Submission:

Women's Health and Genetics/Laboratory Corporation of America, LabCorp
Classification: Likely benign. Last evaluated: 2025-11-14. Review status: criteria provided, single submitter. Criteria: LabCorp Variant Classification Summary - May 2015. Collection method: clinical testing. Allele origin: germline.
Comment: Variant summary: CYBB c.484-15_484-14delGT alters a nucleotide located at a position not widely known to affect splicing. Consensus agreement among computation tools predict no significant impact on normal splicing. However, these predictions have yet to be confirmed by functional studies. The variant was absent in 116750 control chromosomes. The available data on variant occurrences in the general population are insufficient to allow any conclusion about variant significance. To our knowledge, no occurrence of c.484-15_484-14delGT in individuals affected with CYBB-related conditions and no experimental evidence demonstrating its impact on protein function have been reported. No submitters have cited clinical-significance assessments for this variant to ClinVar. Based on the evidence outlined above, the variant was classified as likely benign.